The following is an entry in ClinVar:

NM_001283009.2(RTEL1):c.1029G>C (p.Lys343Asn)

Genes: RTEL1 (regulator of telomere elongation helicase 1; plus strand), RTEL1-TNFRSF6B (RTEL1-TNFRSF6B readthrough (NMD candidate); plus strand). Cytogenetic location: 20q13.33.
Variant type: single nucleotide variant.
Coding change: c.1029G>C on transcript NM_001283009.2 (MANE Select); coding-DNA position 1029, G replaced by C.
Protein change: p.Lys343Asn; replaces lysine 343 with asparagine.
Molecular consequence: missense variant. On other transcripts: non-coding transcript variant (1).
Genome position (GRCh38, 1-based): chr20:63,678,338, G>C. VCF-style: chr20-63678338-G-C. GRCh37 (hg19) VCF-style: chr20-62309691-G-C.
Other names: c.360G>C, p.Lys120Asn (NM_001283010.1); c.1029G>C, p.Lys343Asn (NM_016434.4); c.1101G>C, p.Lys367Asn (NM_032957.5); short protein forms K120N, K343N, K367N.
Identifiers: ClinVar variation 4629525 (VCV004629525.2).
Genomic context (GRCh38, chr20:63,678,338, plus strand): 5'-GCGCCTGGAGGGGGCCATCGATGCTGTTGAGCTGCCTGGAGACGACAGCGGTGTCACCAA[G>C]CCAGGGAGGTGAGAGGCGGGGAGCCAGCCCCTTCACTGCAGGCCCAGCCTAGAGCTAGAA-3'
Protein context (NP_001269938.1, residues 333-353): ELPGDDSGVT[Lys343Asn]PGSYIFELFA

ClinVar aggregate classification (germline): Uncertain significance. Review status: criteria provided, multiple submitters, no conflicts (2 of 4 stars). 2 submissions from 2 submitters: Uncertain significance (2). Last evaluated 2025-10-01.

Conditions:
Inborn genetic diseases. Identifiers: MedGen C0950123, MeSH D030342.
Dyskeratosis congenita, autosomal recessive 5 (DKCB5). Identifiers: MedGen C3554656, MONDO:0014076, OMIM 615190.
Pulmonary fibrosis and/or bone marrow failure, Telomere-related, 3. Also called: PULMONARY FIBROSIS AND/OR BONE MARROW FAILURE SYNDROME, TELOMERE-RELATED, 3. Identifiers: Orphanet 2032, MedGen C4225346, MONDO:0014613, OMIM 616373.

gnomAD v4.1: 2 of 1,612,108 alleles (0.00012%); highest among the groups gnomAD compares: African/African-American, 0.0013%; no homozygotes.

Submissions (2):

Ambry Genetics
Classification: Uncertain significance for Inborn genetic diseases. Last evaluated: 2025-10-01. Review status: criteria provided, single submitter. Criteria: Ambry Variant Classification Scheme 2023. Collection method: clinical testing. Allele origin: germline.
Comment: The p.K343N variant (also known as c.1029G>C), located in coding exon 11 of the RTEL1 gene, results from a G to C substitution at nucleotide position 1029. The lysine at codon 343 is replaced by asparagine, an amino acid with similar properties. This amino acid position is conserved. In addition, the in silico prediction for this alteration is inconclusive. Based on the available evidence, the clinical significance of this variant remains unclear.

Labcorp Genetics (formerly Invitae), Labcorp
Classification: Uncertain significance for Dyskeratosis congenita, autosomal recessive 5; Pulmonary fibrosis and/or bone marrow failure, Telomere-related, 3. Last evaluated: 2025-02-17. Review status: criteria provided, single submitter. Criteria: Invitae Variant Classification Sherloc (09022015). Collection method: clinical testing. Allele origin: germline.
Comment: This sequence change replaces lysine, which is basic and polar, with asparagine, which is neutral and polar, at codon 343 of the RTEL1 protein (p.Lys343Asn). This variant is not present in population databases (gnomAD no frequency). This variant has not been reported in the literature in individuals affected with RTEL1-related conditions. An algorithm developed to predict the effect of missense changes on protein structure and function (PolyPhen-2) suggests that this variant is likely to be disruptive. In summary, the available evidence is currently insufficient to determine the role of this variant in disease. Therefore, it has been classified as a Variant of Uncertain Significance.